The following is an entry in ClinVar:

NM_002335.4(LRP5):c.3418G>T (p.Asp1140Tyr)

Gene: LRP5 (LDL receptor related protein 5; plus strand). Cytogenetic location: 11q13.2.
Variant type: single nucleotide variant.
Coding change: c.3418G>T on transcript NM_002335.4 (MANE Select); coding-DNA position 3418, G replaced by T.
Protein change: p.Asp1140Tyr; replaces aspartic acid 1140 with tyrosine.
Molecular consequence: missense variant.
Genome position (GRCh38, 1-based): chr11:68,425,283, G>T. VCF-style: chr11-68425283-G-T. GRCh37 (hg19) VCF-style: chr11-68192751-G-T.
Other names: c.1675G>T, p.Asp559Tyr (NM_001291902.2); short protein forms D1140Y, D559Y.
Identifiers: ClinVar variation 4800464 (VCV004800464.1).

ClinVar aggregate classification (germline): Uncertain significance (1 of 4 stars; one submission).

Submission:

Labcorp Genetics (formerly Invitae), Labcorp
Classification: Uncertain significance. Last evaluated: 2025-03-04. Review status: criteria provided, single submitter. Criteria: Invitae Variant Classification Sherloc (09022015). Collection method: clinical testing. Allele origin: germline.
Comment: This sequence change replaces aspartic acid, which is acidic and polar, with tyrosine, which is neutral and polar, at codon 1140 of the LRP5 protein (p.Asp1140Tyr). This variant is not present in population databases (gnomAD no frequency). This variant has not been reported in the literature in individuals affected with LRP5-related conditions. Invitae Evidence Modeling of protein sequence and biophysical properties (such as structural, functional, and spatial information, amino acid conservation, physicochemical variation, residue mobility, and thermodynamic stability) has been performed for this missense variant. However, the output from this modeling did not meet the statistical confidence thresholds required to predict the impact of this variant on LRP5 protein function. In summary, the available evidence is currently insufficient to determine the role of this variant in disease. Therefore, it has been classified as a Variant of Uncertain Significance.